The following is an entry in ClinVar:

NM_001378183.1(PIEZO2):c.1080+1G>C

Gene: PIEZO2 (piezo type mechanosensitive ion channel component 2; minus strand). Cytogenetic location: 18p11.22.
Variant type: single nucleotide variant.
Coding change: c.1080+1G>C on transcript NM_001378183.1 (MANE Select); the canonical splice donor site of the intron after coding-DNA position 1080, G replaced by C.
Molecular consequence: splice donor variant.
Genome position (GRCh38, 1-based): chr18:10,807,111, C>G on the plus strand (G>C on the coding strand, the complement: PIEZO2 is on the minus strand). VCF-style: chr18-10807111-C-G. GRCh37 (hg19) VCF-style: chr18-10807109-C-G.
Other names: c.1080+1G>C (NM_022068.4, NM_001410871.1).
Identifiers: ClinVar variation 4293581 (VCV004293581.1).

ClinVar aggregate classification (germline): Pathogenic (1 of 4 stars; one submission).

Conditions:
Arthrogryposis, distal, with impaired proprioception and touch (DAIPT). Identifiers: MedGen C4310692, MONDO:0014941, OMIM 617146.

Submission:

3billion
Classification: Pathogenic for Arthrogryposis, distal, with impaired proprioception and touch. Last evaluated: 2024-09-26. Review status: criteria provided, single submitter. Criteria: ACMG Guidelines, 2015. Collection method: clinical testing. Allele origin: germline. Affected: yes.
Comment: The variant is not observed in the gnomAD v4.0.0 dataset. Predicted Consequence/Location: Canonical splice site: predicted to alter splicing and result in a loss or disruption of normal protein function. Multiple pathogenic loss-of-function variants are reported downstream of the variant. In silico tools predict the variant to alter splicing and produce an abnormal transcript [SpliceAI: 0.99 (spliceogenicity >=0.2, non-spliceogenicity <0.1)]. Therefore, this variant is classified as Pathogenic according to the recommendation of ACMG/AMP guideline.